The following is an entry in ClinVar:

ClinVar aggregate classification (germline): Likely benign (1 of 4 stars; one submission).

Allele frequency attached by ClinVar (database versions not stated): TOPMed 0.00420; gnomAD 0.00435; ExAC 0.00467; ESP Exome Variant Server 0.00475; 1000 Genomes Project 30x 0.00328; 1000 Genomes Project 0.00339.
gnomAD v4.1: 8,994 of 1,613,564 alleles (0.56%); highest among the groups gnomAD compares: Non-Finnish European, 0.64%; 25 homozygotes.

Submission:

CeGaT Center for Human Genetics Tuebingen
Classification: Likely benign. Last evaluated: 2023-04-01. Review status: criteria provided, single submitter. Criteria: CeGaT Center For Human Genetics Tuebingen Variant Classification Criteria Version 2. Collection method: clinical testing. Allele origin: germline. Affected: yes. Observed: 1 variant allele.
Comment: ZNF486: BS2

NM_052852.4(ZNF486):c.630C>G (p.Tyr210Ter)

Gene: ZNF486 (zinc finger protein 486; plus strand). Cytogenetic location: 19p12.
Variant type: single nucleotide variant.
Coding change: c.630C>G on transcript NM_052852.4 (MANE Select); coding-DNA position 630, C replaced by G.
Protein change: p.Tyr210Ter; replaces tyrosine 210 with a stop codon.
Molecular consequence: nonsense.
Genome position (GRCh38, 1-based): chr19:20,197,340, C>G. VCF-style: chr19-20197340-C-G. GRCh37 (hg19) VCF-style: chr19-20308149-C-G.
Other names: short protein forms Y210*.
Identifiers: ClinVar variation 2649616 (VCV002649616.24), dbSNP rs184976796, ClinGen allele CA9335035.
Genomic context (GRCh38, chr19:20,197,340, plus strand): 5'-TTTTAACCAGTCCTCAACCCATACTACACATAAAAAAATTGATACTGGAGAGAAACCATA[C>G]AAATGTGAAGAATGTGGCAAAGCCTTCAACCGGTCCTCACACCTTACTACACATAAGATA-3'